The following is an entry in ClinVar:

NM_152564.5(VPS13B):c.8828G>T (p.Arg2943Leu)

Gene: VPS13B (vacuolar protein sorting 13 homolog B; plus strand). Cytogenetic location: 8q22.2.
Variant type: single nucleotide variant.
Coding change: c.8828G>T on transcript NM_152564.5 (MANE Select); coding-DNA position 8828, G replaced by T.
Protein change: p.Arg2943Leu; replaces arginine 2943 with leucine.
Molecular consequence: missense variant.
Genome position (GRCh38, 1-based): chr8:99,819,956, G>T. VCF-style: chr8-99819956-G-T. GRCh37 (hg19) VCF-style: chr8-100832184-G-T.
Other names: c.8903G>T, p.Arg2968Leu (NM_017890.5); short protein forms R2968L, R2943L.
Identifiers: ClinVar variation 1765062 (VCV001765062.4), dbSNP rs777528760, ClinGen allele CA371776951.

ClinVar aggregate classification (germline): Uncertain significance. Review status: criteria provided, multiple submitters, no conflicts (2 of 4 stars). 2 submissions from 2 submitters: Uncertain significance (2). Last evaluated 2022-07-19.

Conditions:
Cohen syndrome (COH1). Also called: PEPPER SYNDROME; Cutis verticis gyrata, retinitis pigmentosa, and sensorineural deafness. Identifiers: Orphanet 193, MedGen C0265223, MONDO:0008999, OMIM 216550.
Inborn genetic diseases. Identifiers: MedGen C0950123, MeSH D030342.

gnomAD v4.1: 5 of 1,613,884 alleles (0.00031%); highest among the groups gnomAD compares: Non-Finnish European, 0.00042%; no homozygotes.

Submissions (2):

Labcorp Genetics (formerly Invitae), Labcorp
Classification: Uncertain significance for Cohen syndrome. Last evaluated: 2022-07-19. Review status: criteria provided, single submitter. Criteria: Invitae Variant Classification Sherloc (09022015). Collection method: clinical testing. Allele origin: germline.
Comment: This sequence change replaces arginine, which is basic and polar, with leucine, which is neutral and non-polar, at codon 2968 of the VPS13B protein (p.Arg2968Leu). This variant is not present in population databases (gnomAD no frequency). This variant has not been reported in the literature in individuals affected with VPS13B-related conditions. Algorithms developed to predict the effect of missense changes on protein structure and function are either unavailable or do not agree on the potential impact of this missense change (SIFT: "Not Available"; PolyPhen-2: "Benign"; Align-GVGD: "Not Available"). Algorithms developed to predict the effect of sequence changes on RNA splicing suggest that this variant may disrupt the consensus splice site. In summary, the available evidence is currently insufficient to determine the role of this variant in disease. Therefore, it has been classified as a Variant of Uncertain Significance.

Ambry Genetics
Classification: Uncertain significance for Inborn genetic diseases. Last evaluated: 2020-03-27. Review status: criteria provided, single submitter. Criteria: Ambry Variant Classification Scheme 2023. Collection method: clinical testing. Allele origin: germline.
Comment: The p.R2968L variant (also known as c.8903G>T), located in coding exon 48 of the VPS13B gene, results from a G to T substitution at nucleotide position 8903. The arginine at codon 2968 is replaced by leucine, an amino acid with dissimilar properties. This amino acid position is well conserved in available vertebrate species. In addition, the in silico prediction for this alteration is inconclusive. Since supporting evidence is limited at this time, the clinical significance of this alteration remains unclear.